The following is an entry in ClinVar:

NM_002693.3(POLG):c.3286C>T (p.Arg1096Cys)

Gene: POLG (DNA polymerase gamma, catalytic subunit; minus strand). Cytogenetic location: 15q26.1.
Variant type: single nucleotide variant.
Coding change: c.3286C>T on transcript NM_002693.3 (MANE Select); coding-DNA position 3286, C replaced by T.
Protein change: p.Arg1096Cys; replaces arginine 1096 with cysteine.
Molecular consequence: missense variant.
Genome position (GRCh38, 1-based): chr15:89,318,737, G>A on the plus strand (C>T on the coding strand, the complement: POLG is on the minus strand). VCF-style: chr15-89318737-G-A. GRCh37 (hg19) VCF-style: chr15-89861968-G-A.
Other names: p.R1096C:CGT>TGT; c.3286C>T, p.Arg1096Cys (NM_001126131.2); short protein forms R1096C.
Identifiers: ClinVar variation 206556 (VCV000206556.58), dbSNP rs201732356, ClinGen allele CA316756.

ClinVar aggregate classification (germline): Likely pathogenic. Review status: reviewed by expert panel (3 of 4 stars). 20 submissions from 20 submitters: Likely pathogenic (1). 19 of the submissions do not count toward it. Last evaluated 2021-05-23.

Conditions:
Childhood myocerebrohepatopathy spectrum. Also called: Childhood Myocerebrohepatopathy Spectrum Disorders; Childhood Myocerebrohepatopathy Spectrum (MCHS). Identifiers: MedGen C3713421.
POLG-related disorder. Also called: POLG-Related Spectrum Disorders; POLG-related condition; POLG-Related Disorders. Identifiers: MedGen C4763519.
Mitochondrial DNA depletion syndrome. Also called: mitochondrial DNA depletion. Identifiers: Orphanet 35698, MedGen C0342782, MONDO:0018158.
Recessive mitochondrial ataxia syndrome. Identifiers: Orphanet 94125, MedGen C4760799, MONDO:0019791.
Sensory ataxic neuropathy, dysarthria, and ophthalmoparesis (SANDO). Also called: Sensory ataxic neuropathy-dysarthria-ophthalmoparesis syndrome; Ataxia Neuropathy Spectrum (ANS); Epilepsy, progressive myoclonic, type 5; SENSORY ATAXIC NEUROPATHY WITH MITOCHONDRIAL DNA DELETIONS, AUTOSOMAL RECESSIVE. Identifiers: Orphanet 70595, MedGen C1843851, MONDO:0011835, OMIM 607459.
Progressive sclerosing poliodystrophy (MTDPS4A). Also called: Alpers Syndrome; Mitochondrial DNA depletion syndrome 4A (Alpers type); ALPERS DIFFUSE DEGENERATION OF CEREBRAL GRAY MATTER WITH HEPATIC CIRRHOSIS; Alpers-Huttenlocher Syndrome; ALPERS PROGRESSIVE INFANTILE POLIODYSTROPHY; NEURONAL DEGENERATION OF CHILDHOOD WITH LIVER DISEASE, PROGRESSIVE. Identifiers: Orphanet 726, MedGen C0205710, MONDO:0008758, OMIM 203700.
Progressive external ophthalmoplegia with mitochondrial DNA deletions, autosomal recessive 1 (PEOB1). Also called: Progressive external ophthalmoplegia, autosomal recessive 1; Autosomal Recessive Progressive External Ophthalmoplegia (arPEO). Identifiers: Orphanet 254886, MedGen C4225153, MONDO:0009783, OMIM 258450.
Progressive external ophthalmoplegia with mitochondrial DNA deletions, autosomal dominant 1 (PEOA1). Also called: PROGRESSIVE EXTERNAL OPHTHALMOPLEGIA, AUTOSOMAL DOMINANT 1; Autosomal Dominant Progressive External Ophthalmoplegia (adPEO). Identifiers: MedGen C1834846, MONDO:0024528, OMIM 157640.
Mitochondrial DNA depletion syndrome 4b. Also called: MNGIE, POLG-RELATED; Mitochondrial Neurogastrointestinal Encephalopathy Disease, POLG-Related. Identifiers: Orphanet 298, MedGen C3150914, MONDO:0013350, OMIM 613662.
Mitochondrial DNA depletion syndrome 1. Also called: Mitochondrial Neurogastrointestinal Encephalopathy Disease; MITOCHONDRIAL NEUROGASTROINTESTINAL ENCEPHALOPATHY SYNDROME, TYMP-RELATED; MNGIE, TYMP-RELATED; Mitochondrial DNA depletion syndrome 1 (MNGIE type); Mitochondrial neurogastrointestinal encephalomyopathy syndrome; POLIP SYNDROME. Identifiers: Orphanet 298, MedGen C4551995, MONDO:0011283, OMIM 603041.
Mitochondrial disease. Also called: Mitochondrial disorder; Mitochondrial disorders. Identifiers: Orphanet 68380, MedGen C0751651, MeSH D028361, MONDO:0044970.
Abnormality of the nervous system. Also called: Congenital nervous system disorder. Identifiers: MedGen C0497552, MONDO:0002320, HP:0000707.

Allele frequency attached by ClinVar (database versions not stated): gnomAD exomes 0.00001 and 0.00002; TOPMed 0.00001; gnomAD 0.00003; ESP Exome Variant Server 0.00008.
gnomAD v4.1: 37 of 1,613,838 alleles (0.0023%); highest among the groups gnomAD compares: East Asian, 0.0089%; no homozygotes.

Submissions 1 to 5 of 20:

ClinGen Mitochondrial Disease Nuclear and Mitochondrial  Variant Curation Expert Panel, ClinGen
Classification: Likely pathogenic for Mitochondrial disease. Last evaluated: 2021-05-23. Review status: reviewed by expert panel. Criteria: clingen mito disease acmg specifications v1-1. Collection method: curation. Allele origin: germline. Inheritance: Autosomal recessive inheritance.
Comment: The c.3286 C>T (p.Arg1096Cys) variant in POLG is seen at an allele frequency of 0.00001 in gnomAd and 0.00002 in ExAC with no homozygotes (PM2). This variant has a Revel score of 0.837 (PP3). There are 7 cases in the literature reported with an Alpers phenotype in individuals who are homozygous for the c.3286 C>T (p.Arg1096Cys) (PM3_strong; PMID:21305355; PMID:21880868; PMID:18546365). There are also 6 cases reported with other pathogenic variants with phasing unknown 2 siblings reported compound heterozygous with Thr914Pro, another reported with Trp748Ser, another cases with Leu591Phe, another case with Ala467Thr, and another case with Gly848Ser. Each case was reported with POLG related disease with Alpers, liver related disease, and other neurological phenotypes (PM3_strong; PMID:18487244; PMID:30021052; PMID:24265579; PMID:27111573; PMID:21880868). In summary, this variant meets criteria to be classified as likely pathogenic for mitochondrial disease inherited in an autosomal recessive manner. ntDNA ACMG/AMP criteria for POLG applied: PM2, PP3, PM3_strong

CeGaT Center for Human Genetics Tuebingen
Classification: Pathogenic. Last evaluated: 2026-09-01. Review status: criteria provided, single submitter. Criteria: CeGaT Center For Human Genetics Tuebingen Variant Classification Criteria Version 2. Collection method: clinical testing. Allele origin: germline. Affected: yes. Observed: 2 variant alleles. Not counted in ClinVar's aggregate classification.
Comment: POLG: PM3:Very Strong, PM1, PM2, PM5, PP3, PS3:Supporting

Labcorp Genetics (formerly Invitae), Labcorp
Classification: Pathogenic for Progressive sclerosing poliodystrophy. Last evaluated: 2025-12-15. Review status: criteria provided, single submitter. Criteria: Invitae Variant Classification Sherloc (09022015). Collection method: clinical testing. Allele origin: germline. Not counted in ClinVar's aggregate classification.
Comment: This sequence change replaces arginine, which is basic and polar, with cysteine, which is neutral and slightly polar, at codon 1096 of the POLG protein (p.Arg1096Cys). This variant is present in population databases (rs201732356, gnomAD 0.004%). This missense change has been observed in individuals with autosomal recessive POLG-related disease (PMID: 21305355, 21880868, 22189570, 24265579, 28471437, 30167885). This variant has been reported in individual(s) with autosomal dominant progressive external ophthalmoplegia (PMID: 12707443); however, the role of the variant in this condition is currently unclear. ClinVar contains an entry for this variant (Variation ID: 206556). Invitae Evidence Modeling of protein sequence and biophysical properties (such as structural, functional, and spatial information, amino acid conservation, physicochemical variation, residue mobility, and thermodynamic stability) indicates that this missense variant is expected to disrupt POLG protein function with a positive predictive value of 95%. Experimental studies have shown that this missense change affects POLG function (PMID: 20185557, 23208208). This variant disrupts the p.Arg1096 amino acid residue in POLG. Other variant(s) that disrupt this residue have been observed in individuals with POLG-related conditions (PMID: 16621917, 19752458), which suggests that this may be a clinically significant amino acid residue. For these reasons, this variant has been classified as Pathogenic.

Rady Children's Institute for Genomic Medicine, Rady Children's Hospital San Diego
Classification: Pathogenic for POLG-related disorders. Last evaluated: 2025-08-29. Review status: criteria provided, single submitter. Criteria: ACMG Guidelines, 2015. Collection method: clinical testing. Allele origin: germline. Affected: yes. Not counted in ClinVar's aggregate classification.
Comment: Missense variation is an established mechanism of disease for POLG-related disorders (PMID: 20301791). This variant has been previously reported as a compound heterozygous or homozygous change in patients with POLG-related disorders, such as Alpers-Huttenlocher syndrome (PMID: 18487244, 18546365, 21305355, 21880868, 24265579, 27111573, 28471437, 30021052, 33562887). This variant has also been reported as a heterozygous change in an individual with autosomal dominant progressive external ophthalmoplegia, but it is unclear whether this variant is causative (PMID: 12707443). Different amino acid changes at the same residue (p.Arg1096Gly, p.Arg1096His, p.Arg1096Leu) have been previously reported in individuals with POLG-related disorders (PMID: 16621917, 19752458, 29655203). The c.3286C>T (p.Arg1096Cys) variant affects a highly conserved amino acid and is predicted by multiple in silico tools to have a deleterious effect on protein function. Functional studies indicate this variant leads to decreased polymerase activity (PMID: 20185557, 23208208). The c.3286C>T (p.Arg1096Cys) variant is present in the latest version of the gnomAD population database at an allele frequency of 0.002% (37/1613838), and is absent in the homozygous state, thus is presumed to be rare. Based on the available evidence, c.3286C>T (p.Arg1096Cys) is classified as Pathogenic.

Dubai Health Genomic Medicine Center, Dubai Health
Classification: Pathogenic for Mitochondrial recessive ataxia syndrome. Last evaluated: 2024-10-04. Review status: criteria provided, single submitter. Criteria: ACMG Guidelines, 2015. Collection method: research. Allele origin: germline. Affected: yes. Not counted in ClinVar's aggregate classification.
Comment: PS1,PS3,PP1,PM2, PP3, PM3_strong